The following is an entry in ClinVar:

NM_002439.5(MSH3):c.3361A>T (p.Lys1121Ter)

Gene: MSH3 (mutS homolog 3; plus strand). Cytogenetic location: 5q14.1.
Variant type: single nucleotide variant.
Coding change: c.3361A>T on transcript NM_002439.5 (MANE Select); coding-DNA position 3361, A replaced by T.
Protein change: p.Lys1121Ter; replaces lysine 1121 with a stop codon.
Molecular consequence: nonsense.
Genome position (GRCh38, 1-based): chr5:80,875,809, A>T. VCF-style: chr5-80875809-A-T. GRCh37 (hg19) VCF-style: chr5-80171628-A-T.
Other names: short protein forms K1121*.
Identifiers: ClinVar variation 2006321 (VCV002006321.4), dbSNP rs2478808939, ClinGen allele CA360347397.

ClinVar aggregate classification (germline): Uncertain significance (1 of 4 stars; one submission).

Submission:

Labcorp Genetics (formerly Invitae), Labcorp
Classification: Uncertain significance. Last evaluated: 2022-06-14. Review status: criteria provided, single submitter. Criteria: Invitae Variant Classification Sherloc (09022015). Collection method: clinical testing. Allele origin: germline.
Comment: Experimental studies and prediction algorithms are not available or were not evaluated, and the functional significance of this variant is currently unknown. In summary, the available evidence is currently insufficient to determine the role of this variant in disease. Therefore, it has been classified as a Variant of Uncertain Significance. This variant has not been reported in the literature in individuals affected with MSH3-related conditions. This variant is not present in population databases (gnomAD no frequency). This sequence change creates a premature translational stop signal (p.Lys1121*) in the MSH3 gene. While this is not anticipated to result in nonsense mediated decay, it is expected to disrupt the last 17 amino acid(s) of the MSH3 protein.